The following is an entry in ClinVar:

ClinVar aggregate classification (germline): Pathogenic/Likely pathogenic. Review status: criteria provided, multiple submitters, no conflicts (2 of 4 stars). 2 submissions from 2 submitters: Pathogenic (1); Likely pathogenic (1). Last evaluated 2025-10-29.

Conditions:
Autosomal recessive DGUOK-related disorders.

Submissions (2):

Variantyx, Inc.
Classification: Likely pathogenic for Autosomal recessive DGUOK-related disorders. Last evaluated: 2025-10-29. Review status: criteria provided, single submitter. Criteria: Variantyx Assertion Criteria 2022. Collection method: clinical testing. Allele origin: germline. Inheritance: Autosomal recessive inheritance. Affected: no.
Comment: This is a frameshift variant in the DGUOK gene (OMIM: 601465). Pathogenic variants in this gene have been associated with autosomal recessive DGUOK-related disorders. This variant introduces a premature termination codon in exon 6 out of 7. Although loss of function is a known disease mechanism for DGUOK in this disorder (PMID: 18205204), this variant is not expected to result in nonsense-mediated mRNA decay and a truncated protein may be produced. However, this variant is expected to disrupt the C-terminal region of the protein, which is a critical functional domain of the DGUOK protein (PMID: 17073823, 16263314) (PVS1). This variant is absent from control populations (PM2). Based on the current evidence, this variant is classified as likely pathogenic for autosomal recessive DGUOK-related disorders.

Labcorp Genetics (formerly Invitae), Labcorp
Classification: Pathogenic. Last evaluated: 2025-09-20. Review status: criteria provided, single submitter. Criteria: Invitae Variant Classification Sherloc (09022015). Collection method: clinical testing. Allele origin: germline.
Comment: This sequence change creates a premature translational stop signal (p.Glu264Thrfs*3) in the DGUOK gene. While this is not anticipated to result in nonsense mediated decay, it is expected to disrupt the last 14 amino acid(s) of the DGUOK protein. This variant is not present in population databases (gnomAD no frequency). This variant has not been reported in the literature in individuals affected with DGUOK-related conditions. This variant disrupts a region of the DGUOK protein in which other variant(s) (p.Leu266Arg) have been determined to be pathogenic (PMID: 16263314, 17073823). This suggests that this is a clinically significant region of the protein, and that variants that disrupt it are likely to be disease-causing. For these reasons, this variant has been classified as Pathogenic.

Literature cited by the submitters: PubMed 18205204 (cited by Variantyx, Inc.); PubMed 17073823 (cited by Variantyx, Inc. and Labcorp Genetics (formerly Invitae), Labcorp); PubMed 16263314 (cited by Variantyx, Inc. and Labcorp Genetics (formerly Invitae), Labcorp).

NM_080916.3(DGUOK):c.789_792del (p.Glu264fs)

Genes: DGUOK (deoxyguanosine kinase; plus strand), DGUOK-AS1 (DGUOK antisense RNA 1; minus strand). Cytogenetic location: 2p13.1.
Variant type: Deletion.
Coding change: c.789_792del on transcript NM_080916.3 (MANE Select); coding-DNA positions 789 to 792, 4 bases deleted (AGAA; older notation c.789_792delAGAA).
Protein change: p.Glu264fs; shifts the reading frame from glutamic acid 264.
Molecular consequence: frameshift variant. On other transcripts: non-coding transcript variant (6).
Genome position (GRCh38, 1-based): chr2:73,958,227-73,958,230, AGAA deleted; deleting any 4 consecutive bases within chr2:73,958,226-73,958,230 gives the same sequence; the c. name uses the placement nearest the transcript's 3' end. VCF-style (leftmost placement, unchanged base first): chr2-73958225-CAAGA-C. GRCh37 (hg19) VCF-style: chr2-74185352-CAAGA-C.
Other names: c.507_510del, p.Glu170fs (NM_001318859.2); c.498_501del, p.Glu167fs (NM_001318860.2, NM_001318861.2); c.480_483del, p.Glu161fs (NM_001318862.2, NM_001318863.2); c.525_528del, p.Glu176fs (NM_080918.3); short protein forms E176fs, E167fs, E264fs, E161fs, E170fs.
Identifiers: ClinVar variation 4727494 (VCV004727494.2).